The following is an entry in ClinVar:

ClinVar aggregate classification (germline): Likely benign. Review status: criteria provided, multiple submitters, no conflicts (2 of 4 stars). 3 submissions from 3 submitters: Likely benign (3). Last evaluated 2026-01-16.

Conditions:
Thrombophilia due to protein C deficiency, autosomal dominant. Also called: PROC DEFICIENCY, AUTOSOMAL DOMINANT; PROTEIN C DEFICIENCY, AUTOSOMAL DOMINANT. Identifiers: Orphanet 745, MedGen C2674321, MONDO:0008316, OMIM 176860. Disease mechanism: loss of function.

Allele frequency attached by ClinVar (database versions not stated): gnomAD 0.00005 and 0.00010; TOPMed 0.00009; gnomAD exomes 0.00021 and 0.00043; 1000 Genomes Project 0.00040; 1000 Genomes Project 30x 0.00062; ExAC 0.00070.
gnomAD v4.1: 309 of 1,566,326 alleles (0.02%); highest among the groups gnomAD compares: East Asian, 0.71%; 2 homozygotes.

Submissions (3):

Labcorp Genetics (formerly Invitae), Labcorp
Classification: Likely benign for Thrombophilia due to protein C deficiency, autosomal dominant. Last evaluated: 2026-01-16. Review status: criteria provided, single submitter. Criteria: Invitae Variant Classification Sherloc (09022015). Collection method: clinical testing. Allele origin: germline.

Blueprint Genetics
Classification: Likely benign. Last evaluated: 2023-07-03. Review status: criteria provided, single submitter. Criteria: ACMG Guidelines, 2015. Collection method: clinical testing. Allele origin: germline.

Illumina Laboratory Services, Illumina
Classification: Likely benign for Thrombophilia due to protein C deficiency, autosomal dominant. Last evaluated: 2018-01-13. Review status: criteria provided, single submitter. Criteria: ICSL Variant Classification Criteria 13 December 2019. Collection method: clinical testing. Allele origin: germline.
Comment: This variant was observed in the ICSL laboratory as part of a predisposition screen in an ostensibly healthy population. It had not been previously curated by ICSL or reported in the Human Gene Mutation Database (HGMD: prior to June 1st, 2018), and was therefore a candidate for classification through an automated scoring system. Utilizing variant allele frequency, disease prevalence and penetrance estimates, and inheritance mode, an automated score was calculated to assess if this variant is too frequent to cause the disease. Based on the score and internal cut-off values, a variant classified as likely benign is not then subjected to further curation. The score for this variant resulted in a classification of likely benign for this disease.

NM_000312.4(PROC):c.400+6G>T

Gene: PROC (protein C, inactivator of coagulation factors Va and VIIIa; plus strand). Cytogenetic location: 2q14.3.
Variant type: single nucleotide variant.
Coding change: c.400+6G>T on transcript NM_000312.4 (MANE Select); 6 bases into the intron after coding-DNA position 400, G replaced by T.
Molecular consequence: intron variant. On other transcripts: missense variant (4).
Genome position (GRCh38, 1-based): chr2:127,423,177, G>T. VCF-style: chr2-127423177-G-T. GRCh37 (hg19) VCF-style: chr2-128180753-G-T.
Other names: c.469G>T, p.Gly157Trp (NM_001375603.1); c.406G>T, p.Gly136Trp (NM_001375605.1); c.561G>T, p.Arg187Ser (NM_001375606.1); c.490G>T, p.Gly164Trp (NM_001375607.1); c.400+6G>T (NM_001375611.1, NM_001375608.1, NM_001375613.1); c.583+6G>T (NM_001375602.1); c.394+6G>T (NM_001375610.1); c.463+6G>T (NM_001375604.1); and 1 more; short protein forms G136W, G157W, G164W, R187S.
Identifiers: ClinVar variation 695443 (VCV000695443.14), dbSNP rs527647588, ClinGen allele CA1859329.
Genomic context (GRCh38, chr2:127,423,177, plus strand): 5'-GGCAGCTTCAGCTGCGACTGCCGCAGCGGCTGGGAGGGCCGCTTCTGCCAGCGCGGTGAG[G>T]GGGAGAGGTGGATGCTGGCGGGCGGCGGGGCGGGGCTGGGGCCGGGTTGGGGGCGCGGCA-3'